The following is an entry in ClinVar:

ClinVar aggregate classification (germline): Conflicting classifications of pathogenicity. Review status: criteria provided, conflicting classifications (1 of 4 stars). 4 submissions from 4 submitters: Uncertain significance (1); Likely benign (2). 1 of the submissions does not count toward it. Last evaluated 2026-02-04.

Conditions:
C9-related disorder. Also called: C9-related condition.

Allele frequency attached by ClinVar (database versions not stated): 1000 Genomes Project 0.00040; 1000 Genomes Project 30x 0.00047; ExAC 0.00085; gnomAD exomes 0.00105 and 0.00232; gnomAD 0.00148 and 0.00153; TOPMed 0.00154; ESP Exome Variant Server 0.00161.

Submissions (4):

Labcorp Genetics (formerly Invitae), Labcorp
Classification: Likely benign. Last evaluated: 2026-02-04. Review status: criteria provided, single submitter. Criteria: Invitae Variant Classification Sherloc (09022015). Collection method: clinical testing. Allele origin: germline.

Blueprint Genetics
Classification: Uncertain significance. Last evaluated: 2024-11-26. Review status: criteria provided, single submitter. Criteria: ACMG Guidelines, 2015. Collection method: clinical testing. Allele origin: germline.

Breakthrough Genomics
Classification: Likely benign. Review status: criteria provided, single submitter. Criteria: ACMG Guidelines, 2015. Collection method: not provided. Allele origin: germline. Inheritance: Autosomal dominant inheritance. Affected: yes.

PreventionGenetics, part of Exact Sciences
Classification: Likely benign for C9-related condition. Last evaluated: 2023-10-05. Review status: no assertion criteria provided. Collection method: clinical testing. Allele origin: germline. Not counted in ClinVar's aggregate classification.
Comment: This variant is classified as likely benign based on ACMG/AMP sequence variant interpretation guidelines (Richards et al. 2015 PMID: 25741868, with internal and published modifications).

NM_001737.5(C9):c.1014T>A (p.Phe338Leu)

Gene: C9 (complement C9; minus strand). Cytogenetic location: 5p13.1.
Variant type: single nucleotide variant.
Coding change: c.1014T>A on transcript NM_001737.5 (MANE Select); coding-DNA position 1014, T replaced by A.
Protein change: p.Phe338Leu; replaces phenylalanine 338 with leucine.
Molecular consequence: missense variant.
Genome position (GRCh38, 1-based): chr5:39,311,234, A>T on the plus strand (T>A on the coding strand, the complement: C9 is on the minus strand). VCF-style: chr5-39311234-A-T. GRCh37 (hg19) VCF-style: chr5-39311336-A-T.
Other names: c.1014T>A (NM_001737.4); short protein forms F338L.
Identifiers: ClinVar variation 1129784 (VCV001129784.13), dbSNP rs141600725, ClinGen allele CA3246827.